The following is an entry in ClinVar:

ClinVar aggregate classification (germline): Pathogenic (1 of 4 stars; one submission).

Conditions:
Hypertrophic cardiomyopathy. Also called: HYPERTROPHIC MYOCARDIOPATHY. Identifiers: Orphanet 217569, MedGen C0007194, MeSH D002312, MONDO:0005045, HP:0001639.

Submission:

Labcorp Genetics (formerly Invitae), Labcorp
Classification: Pathogenic for Hypertrophic cardiomyopathy. Last evaluated: 2021-12-23. Review status: criteria provided, single submitter. Criteria: Invitae Variant Classification Sherloc (09022015). Collection method: clinical testing. Allele origin: germline.
Comment: For these reasons, this variant has been classified as Pathogenic. This variant has not been reported in the literature in individuals affected with MYBPC3-related conditions. This variant is not present in population databases (gnomAD no frequency). This sequence change creates a premature translational stop signal (p.Ser133Lysfs*20) in the MYBPC3 gene. It is expected to result in an absent or disrupted protein product. Loss-of-function variants in MYBPC3 are known to be pathogenic (PMID: 19574547).

Literature cited by the submitters: PubMed 19574547.

NM_000256.3(MYBPC3):c.395dup (p.Ser133fs)

Gene: MYBPC3 (myosin binding protein C3; minus strand). Cytogenetic location: 11p11.2.
Variant type: Duplication.
Coding change: c.395dup on transcript NM_000256.3 (MANE Select); coding-DNA position 395, one base duplicated (C; older notation c.395dupC).
Protein change: p.Ser133fs; shifts the reading frame from serine 133.
Molecular consequence: frameshift variant.
Genome position (GRCh38, 1-based): chr11:47,350,513, G duplicated on the plus strand (C on the coding strand, the reverse complement: MYBPC3 is on the minus strand); the first of 4 consecutive G bases (chr11:47,350,513-47,350,516); duplicating any one gives the same sequence. VCF-style (leftmost placement, unchanged base first): chr11-47350512-T-TG. GRCh37 (hg19) VCF-style: chr11-47372063-T-TG.
Other names: short protein forms S133fs.
Identifiers: ClinVar variation 2054854 (VCV002054854.4), dbSNP rs2495783412, ClinGen allele CA2580084256.